The following is an entry in ClinVar:

ClinVar aggregate classification (germline): Uncertain significance. Review status: criteria provided, multiple submitters, no conflicts (2 of 4 stars). 4 submissions from 4 submitters: Uncertain significance (4). Last evaluated 2025-02-19.

Conditions:
Inborn genetic diseases. Identifiers: MedGen C0950123, MeSH D030342.

Allele frequency attached by ClinVar (database versions not stated): gnomAD exomes 0.00001; TOPMed 0.00002; gnomAD 0.00001.
gnomAD v4.1: 15 of 1,208,609 alleles (0.0012%); highest among the groups gnomAD compares: Non-Finnish European, 0.0016%; no homozygotes.

Submissions (4):

Ambry Genetics
Classification: Uncertain significance for Inborn genetic diseases. Last evaluated: 2025-02-19. Review status: criteria provided, single submitter. Criteria: Ambry Variant Classification Scheme 2023. Collection method: clinical testing. Allele origin: germline.

Labcorp Genetics (formerly Invitae), Labcorp
Classification: Uncertain significance. Last evaluated: 2025-01-30. Review status: criteria provided, single submitter. Criteria: Invitae Variant Classification Sherloc (09022015). Collection method: clinical testing. Allele origin: germline.
Comment: This sequence change replaces proline, which is neutral and non-polar, with alanine, which is neutral and non-polar, at codon 214 of the USP9X protein (p.Pro214Ala). This variant is present in population databases (no rsID available, gnomAD 0.009%), including at least one homozygous and/or hemizygous individual. This variant has not been reported in the literature in individuals affected with USP9X-related conditions. ClinVar contains an entry for this variant (Variation ID: 235751). An algorithm developed to predict the effect of missense changes on protein structure and function (PolyPhen-2) suggests that this variant is likely to be tolerated. In summary, the available evidence is currently insufficient to determine the role of this variant in disease. Therefore, it has been classified as a Variant of Uncertain Significance.

Clinical Genetics Laboratory, Skane University Hospital Lund
Classification: Uncertain significance. Last evaluated: 2022-05-27. Review status: criteria provided, single submitter. Criteria: ACMG Guidelines, 2015. Collection method: clinical testing. Allele origin: germline. Affected: yes.

Center for Pediatric Genomic Medicine, Children's Mercy Hospital and Clinics
Classification: Uncertain significance. Last evaluated: 2016-04-12. Review status: criteria provided, single submitter. Criteria: ACMG Guidelines, 2015. Collection method: clinical testing. Allele origin: germline.
ClinVar note: Converted during submission from Uncertain Significance to Uncertain significance.

NM_001039591.3(USP9X):c.640C>G (p.Pro214Ala)

Gene: USP9X (ubiquitin specific peptidase 9 X-linked; plus strand). Cytogenetic location: Xp11.4.
Variant type: single nucleotide variant.
Coding change: c.640C>G on transcript NM_001039591.3 (MANE Select); coding-DNA position 640, C replaced by G.
Protein change: p.Pro214Ala; replaces proline 214 with alanine.
Molecular consequence: missense variant.
Genome position (GRCh38, 1-based): chrX:41,137,008, C>G. VCF-style: chrX-41137008-C-G. GRCh37 (hg19) VCF-style: chrX-40996261-C-G.
Other names: c.640C>G, p.Pro214Ala (NM_001039590.3); c.640C>G (NM_001039590.2); short protein forms P214A.
Identifiers: ClinVar variation 235751 (VCV000235751.6), dbSNP rs878853105, ClinGen allele CA10581418.